The following is an entry in ClinVar:

NM_000246.4(CIITA):c.1916G>T (p.Gly639Val)

Gene: CIITA (class II major histocompatibility complex transactivator; plus strand). Cytogenetic location: 16p13.13.
Variant type: single nucleotide variant.
Coding change: c.1916G>T on transcript NM_000246.4 (MANE Select); coding-DNA position 1916, G replaced by T.
Protein change: p.Gly639Val; replaces glycine 639 with valine.
Molecular consequence: missense variant. On other transcripts: intron variant (1).
Genome position (GRCh38, 1-based): chr16:10,907,408, G>T. VCF-style: chr16-10907408-G-T. GRCh37 (hg19) VCF-style: chr16-11001265-G-T.
Other names: c.1919G>T, p.Gly640Val (NM_001286402.1, NM_001379332.1); c.1772G>T, p.Gly591Val (NM_001379330.1); c.1769G>T, p.Gly590Val (NM_001379331.1); c.1916G>T, p.Gly639Val (NM_001379333.1); c.1847G>T, p.Gly616Val (NM_001379334.1); c.860-1575G>T (NM_001286403.2); short protein forms G591V, G639V, G616V, G590V, G640V.
Identifiers: ClinVar variation 1355864 (VCV001355864.8), dbSNP rs376577994, ClinGen allele CA394732029.

ClinVar aggregate classification (germline): Uncertain significance (1 of 4 stars; one submission).

Conditions:
MHC class II deficiency. Also called: Bare lymphocyte syndrome 2; BLS, TYPE II. Identifiers: Orphanet 572, MedGen C5447452, MONDO:0008855.

Submission:

Labcorp Genetics (formerly Invitae), Labcorp
Classification: Uncertain significance for MHC class II deficiency. Last evaluated: 2021-05-21. Review status: criteria provided, single submitter. Criteria: Invitae Variant Classification Sherloc (09022015). Collection method: clinical testing. Allele origin: germline.
Comment: Algorithms developed to predict the effect of sequence changes on RNA splicing suggest that this variant may create or strengthen a splice site, but this prediction has not been confirmed by published transcriptional studies. In summary, the available evidence is currently insufficient to determine the role of this variant in disease. Therefore, it has been classified as a Variant of Uncertain Significance. Algorithms developed to predict the effect of missense changes on protein structure and function are either unavailable or do not agree on the potential impact of this missense change (SIFT: "Tolerated"; PolyPhen-2: "Possibly Damaging"; Align-GVGD: "Class C0"). This variant has not been reported in the literature in individuals with CIITA-related conditions. This variant is not present in population databases (ExAC no frequency). This sequence change replaces glycine with valine at codon 639 of the CIITA protein (p.Gly639Val). The glycine residue is moderately conserved and there is a moderate physicochemical difference between glycine and valine.